The following is an entry in ClinVar:

NM_002473.6(MYH9):c.4582C>T (p.Arg1528Trp)

Gene: MYH9 (myosin heavy chain 9; minus strand). Cytogenetic location: 22q12.3.
Variant type: single nucleotide variant.
Coding change: c.4582C>T on transcript NM_002473.6 (MANE Select); coding-DNA position 4582, C replaced by T.
Protein change: p.Arg1528Trp; replaces arginine 1528 with tryptophan.
Molecular consequence: missense variant.
Genome position (GRCh38, 1-based): chr22:36,288,915, G>A on the plus strand (C>T on the coding strand, the complement: MYH9 is on the minus strand). VCF-style: chr22-36288915-G-A. GRCh37 (hg19) VCF-style: chr22-36684961-G-A.
Other names: short protein forms R1528W.
Identifiers: ClinVar variation 2063744 (VCV002063744.6), dbSNP rs201405521, ClinGen allele CA10209331.
Genomic context (GRCh38, chr22:36,288,915, plus strand): 5'-GCTCGTCCTCCAGCTCTTCCAGCTGCGTCTTCATCTCCTCCACCTGCTGCTCTAGGGCCC[G>A]CTTGGACTTCTCCAGCTCGTGGACCTGAGCCCCAGAGAGCCCAAGTCAGGAGCAAAGGGA-3'
Protein context (NP_002464.1, residues 1518-1538): KSVHELEKSK[Arg1528Trp]ALEQQVEEMK

ClinVar aggregate classification (germline): Conflicting classifications of pathogenicity. Review status: criteria provided, conflicting classifications (1 of 4 stars). 3 submissions from 3 submitters: Uncertain significance (1); Likely benign (2). Last evaluated 2025-09-30.

Conditions:
MYH9-related disorder. Identifiers: MedGen C1854520.

Allele frequency attached by ClinVar (database versions not stated): TOPMed 0.00003; ExAC 0.00005; ESP Exome Variant Server 0.00008; 1000 Genomes Project 30x 0.00016.
gnomAD v4.1: 53 of 1,613,956 alleles (0.0033%); highest among the groups gnomAD compares: Middle Eastern, 0.033%; no homozygotes.

Submissions (3):

Labcorp Genetics (formerly Invitae), Labcorp
Classification: Likely benign. Last evaluated: 2025-09-30. Review status: criteria provided, single submitter. Criteria: Invitae Variant Classification Sherloc (09022015). Collection method: clinical testing. Allele origin: germline.

PreventionGenetics, part of Exact Sciences
Classification: Uncertain significance for MYH9-related condition. Last evaluated: 2024-12-20. Review status: criteria provided, single submitter. Criteria: ACMG Guidelines, 2015. Collection method: clinical testing. Allele origin: germline.
Comment: The MYH9 c.4582C>T variant is predicted to result in the amino acid substitution p.Arg1528Trp. To our knowledge, this variant has not been reported in the literature. This variant is reported in 0.025% of alleles in individuals of East Asian descent in gnomAD. Although we suspect that this variant may be benign, at this time, the clinical significance of this variant is uncertain due to the absence of conclusive functional and genetic evidence.

Blueprint Genetics
Classification: Likely benign. Last evaluated: 2024-10-11. Review status: criteria provided, single submitter. Criteria: ACMG Guidelines, 2015. Collection method: clinical testing. Allele origin: germline.